The following is an entry in ClinVar:

NM_000687.4(AHCY):c.98T>C (p.Met33Thr)

Gene: AHCY (adenosylhomocysteinase; minus strand). Cytogenetic location: 20q11.22.
Variant type: single nucleotide variant.
Coding change: c.98T>C on transcript NM_000687.4 (MANE Select); coding-DNA position 98, T replaced by C.
Protein change: p.Met33Thr; replaces methionine 33 with threonine.
Molecular consequence: missense variant.
Genome position (GRCh38, 1-based): chr20:34,295,516, A>G on the plus strand (T>C on the coding strand, the complement: AHCY is on the minus strand). VCF-style: chr20-34295516-A-G. GRCh37 (hg19) VCF-style: chr20-32883322-A-G.
Other names: c.14T>C, p.Met5Thr (NM_001161766.2, NM_001322084.2, NM_001322085.2); c.104T>C, p.Met35Thr (NM_001322086.2); c.98T>C, p.Met33Thr (NM_001362750.2); short protein forms M33T, M35T, M5T.
Identifiers: ClinVar variation 5006370 (VCV005006370.2).

ClinVar aggregate classification (germline): Uncertain significance (1 of 4 stars; one submission).

Conditions:
Hypermethioninemia with deficiency of S-adenosylhomocysteine hydrolase. Identifiers: Orphanet 88618, MedGen C3151058, MONDO:0013404, OMIM 613752.

gnomAD v4.1: 33 of 1,613,968 alleles (0.002%); highest among the groups gnomAD compares: East Asian, 0.074%; no homozygotes.

Submission:

Juno Genomics, Hangzhou Juno Genomics, Inc
Classification: Uncertain significance for Hypermethioninemia with deficiency of S-adenosylhomocysteine hydrolase. Review status: criteria provided, single submitter. Criteria: ACMG Guidelines, 2015. Collection method: clinical testing. Allele origin: germline.
Comment: Absent from controls (or at extremely low frequency if recessive) in Genome Aggregation Database.;Multiple lines of computational evidence support a deleterious effect on the gene or gene product.